The following is an entry in ClinVar:

NM_007294.4(BRCA1):c.1268C>T (p.Ser423Phe)

Gene: BRCA1 (BRCA1 DNA repair associated; minus strand). Cytogenetic location: 17q21.31.
Variant type: single nucleotide variant.
Coding change: c.1268C>T on transcript NM_007294.4 (MANE Select); coding-DNA position 1268, C replaced by T.
Protein change: p.Ser423Phe; replaces serine 423 with phenylalanine.
Molecular consequence: missense variant. On other transcripts: intron variant (137).
Genome position (GRCh38, 1-based): chr17:43,094,263, G>A on the plus strand (C>T on the coding strand, the complement: BRCA1 is on the minus strand). VCF-style: chr17-43094263-G-A. GRCh37 (hg19) VCF-style: chr17-41246280-G-A.
Other names: c.935C>T, p.Ser312Phe (NM_001407946.1, NM_001407947.1, NM_001407948.1 and 6 more transcripts); c.932C>T, p.Ser311Phe (NM_001407956.1, NM_001407954.1, NM_001407955.1 and 1 more transcripts); c.1055C>T, p.Ser352Phe (NM_001407571.1, NM_001407853.1, NM_001407894.1 and 9 more transcripts); c.1268C>T, p.Ser423Phe (NM_001407581.1, NM_001407582.1, NM_001407583.1 and 30 more transcripts); c.1265C>T, p.Ser422Phe (NM_001407587.1, NM_001407590.1, NM_001407591.1 and 22 more transcripts); c.1259C>T, p.Ser420Phe (NM_001407646.1, NM_001407647.1); c.1145C>T, p.Ser382Phe (NM_001407648.1, NM_001407664.1, NM_001407665.1 and 19 more transcripts); c.1142C>T, p.Ser381Phe (NM_001407649.1, NM_001407670.1, NM_001407671.1 and 11 more transcripts); and 40 more; short protein forms S376F, S423F, S127F, S334F, S355F, S356F, S382F, S295F.
Identifiers: ClinVar variation 1172436 (VCV001172436.5), dbSNP rs2154463118, ClinGen allele CA10599517.

ClinVar aggregate classification (germline): Conflicting classifications of pathogenicity. Review status: criteria provided, conflicting classifications (1 of 4 stars). 2 submissions from 2 submitters: Uncertain significance (1); Likely benign (1). Last evaluated 2023-03-23.

Conditions:
Hereditary cancer-predisposing syndrome. Also called: Tumor predisposition; Hereditary neoplastic syndrome; Hereditary Cancer Syndrome; Neoplastic Syndromes, Hereditary. Identifiers: Orphanet 140162, MedGen C0027672, MeSH D009386, MONDO:0015356.

Submissions (2):

University of Washington Department of Laboratory Medicine, University of Washington
Classification: Likely benign for Hereditary cancer-predisposing syndrome. Last evaluated: 2023-03-23. Review status: criteria provided, single submitter. Criteria: Dines et al. (Genet Med. 2020). Collection method: curation. Allele origin: germline.
Comment: Missense variant in a coldspot region where missense variants are very unlikely to be pathogenic (PMID:31911673).

BRCA1 coldspot (exon 11 using historical exon numbering). Reclassification based on statistical prior probability

Color Diagnostics, LLC DBA Color Health
Classification: Uncertain significance for Hereditary cancer-predisposing syndrome. Last evaluated: 2020-11-23. Review status: criteria provided, single submitter. Criteria: ACMG Guidelines, 2015. Collection method: clinical testing. Allele origin: germline.
Comment: This missense variant replaces serine with phenylalanine at codon 423 of the BRCA1 protein. Computational prediction is inconclusive regarding the impact of this variant on protein structure and function (internally defined REVEL score threshold 0.5 < inconclusive < 0.7, PMID: 27666373). To our knowledge, functional studies have not been reported for this variant. This variant has been observed in an individual affected with breast cancer with positive family history of disease (PMID: 32438681) and another individual affected with hereditary breast cancer with a pathogenic BRCA1 truncation variant of unknown phasing (PMID: 16875939). This variant has not been identified in the general population by the Genome Aggregation Database (gnomAD). The available evidence is insufficient to determine the role of this variant in disease conclusively. Therefore, this variant is classified as a Variant of Uncertain Significance.